The following is an entry in ClinVar:

ClinVar aggregate classification (germline): Uncertain significance (1 of 4 stars; one submission).

Conditions:
Van der Woude syndrome 1. Also called: van der Woude Syndrome (VWS); CLEFT LIP AND/OR PALATE WITH MUCOUS CYSTS OF LOWER LIP. Identifiers: MedGen C4551864, MONDO:0007333, OMIM 119300.
Autosomal dominant popliteal pterygium syndrome. Also called: Popliteal Pterygium Syndrome (PPS); CLEFT LIP/PALATE, PARAMEDIAN MUCOUS CYSTS OF THE LOWER LIP, POPLITEAL PTERYGIUM, DIGITAL AND GENITAL ANOMALIES; FACIOGENITOPOPLITEAL SYNDROME. Identifiers: Orphanet 1300, MedGen C5848052, MONDO:0007334, OMIM 119500.
Orofacial cleft 6, susceptibility to (OFC6). Also called: CLEFT LIP WITH OR WITHOUT CLEFT PALATE, NONSYNDROMIC, 6. Identifiers: MedGen C1837213, MONDO:0012141, OMIM 608864.

Submission:

Juno Genomics, Hangzhou Juno Genomics, Inc
Classification: Uncertain significance for Van der Woude syndrome 1; Orofacial cleft 6, susceptibility to; Autosomal dominant popliteal pterygium syndrome. Review status: criteria provided, single submitter. Criteria: ACMG Guidelines, 2015. Collection method: clinical testing. Allele origin: germline.
Comment: Absent from controls (or at extremely low frequency if recessive) in Genome Aggregation Database.;Multiple lines of computational evidence support a deleterious effect on the gene or gene product.

NM_006147.4(IRF6):c.380-8T>A

Gene: IRF6 (interferon regulatory factor 6; minus strand). Cytogenetic location: 1q32.2.
Variant type: single nucleotide variant.
Coding change: c.380-8T>A on transcript NM_006147.4 (MANE Select); 8 bases into the intron before coding-DNA position 380, T replaced by A.
Molecular consequence: intron variant.
Genome position (GRCh38, 1-based): chr1:209,795,426, A>T on the plus strand (T>A on the coding strand, the complement: IRF6 is on the minus strand). VCF-style: chr1-209795426-A-T. GRCh37 (hg19) VCF-style: chr1-209968771-A-T.
Other names: c.95-8T>A (NM_001206696.2).
Identifiers: ClinVar variation 5018675 (VCV005018675.2).